The following is an entry in ClinVar:

ClinVar aggregate classification (germline): Likely benign. Review status: criteria provided, single submitter (1 of 4 stars). 2 submissions from 2 submitters: Likely benign (1). 1 of the submissions does not count toward it. Last evaluated 2024-09-04.

Conditions:
NCSTN-related disorder. Also called: NCSTN-related condition.

Allele frequency attached by ClinVar (database versions not stated): gnomAD exomes below 0.00001; gnomAD 0.00001; TOPMed 0.00001.
gnomAD v4.1: 3 of 1,608,550 alleles (0.00019%); highest among the groups gnomAD compares: African/African-American, 0.004%; no homozygotes.

Submissions (2):

Labcorp Genetics (formerly Invitae), Labcorp
Classification: Likely benign. Last evaluated: 2024-09-04. Review status: criteria provided, single submitter. Criteria: Invitae Variant Classification Sherloc (09022015). Collection method: clinical testing. Allele origin: germline.

PreventionGenetics, part of Exact Sciences
Classification: Likely benign for NCSTN-related condition. Last evaluated: 2023-11-28. Review status: no assertion criteria provided. Collection method: clinical testing. Allele origin: germline. Not counted in ClinVar's aggregate classification.
Comment: This variant is classified as likely benign based on ACMG/AMP sequence variant interpretation guidelines (Richards et al. 2015 PMID: 25741868, with internal and published modifications).

NM_015331.3(NCSTN):c.79C>T (p.Leu27=)

Gene: NCSTN (nicastrin; plus strand). Cytogenetic location: 1q23.2.
Variant type: single nucleotide variant.
Coding change: c.79C>T on transcript NM_015331.3 (MANE Select); coding-DNA position 79, C replaced by T.
Protein change: p.Leu27=; no amino-acid change (leucine 27 retained).
Molecular consequence: synonymous variant. On other transcripts: 5 prime UTR variant (1).
Genome position (GRCh38, 1-based): chr1:160,343,475, C>T. VCF-style: chr1-160343475-C-T. GRCh37 (hg19) VCF-style: chr1-160313265-C-T.
Other names: c.-121C>T (NM_001290184.2); c.79C>T, p.Leu27= (NM_001290186.2, NM_001349729.2).
Identifiers: ClinVar variation 3029027 (VCV003029027.4), dbSNP rs1362324068, ClinGen allele CA421363189.
Genomic context (GRCh38, chr1:160,343,475, plus strand): 5'-GGCTCTGGGGCTGACCCGGGAAGTCGGGGTCTCCTTCGCCTTCTGTCTTTCTGCGTCCTA[C>T]TAGCAGGTGAGGCCTCCCCGCCCGTGAGCTCCGTTCTCTAAGGGGAACTCTCGGATCGGC-3'
Protein context (NP_056146.1, residues 17-37): LLRLLSFCVL[Leu27=]AGLCRGNSVE